The following is an entry in ClinVar:

ClinVar aggregate classification (germline): Likely pathogenic. Review status: criteria provided, multiple submitters, no conflicts (2 of 4 stars). 2 submissions from 2 submitters: Likely pathogenic (2). Last evaluated 2023-07-17.

Conditions:
Autosomal dominant polycystic kidney disease. Identifiers: Orphanet 730, MedGen C0085413, MONDO:0004691.
Polycystic kidney disease, adult type (PKD1). Also called: Polycystic Kidney Disease 1, Autosomal Dominant; Polycystic kidney disease 1; Polycystic kidney disease 1, severe; Polycystic Kidney, Autosomal Dominant; POLYCYSTIC KIDNEY DISEASE 1 WITH OR WITHOUT POLYCYSTIC LIVER DISEASE; POLYCYSTIC KIDNEY DISEASE, ADULT, TYPE I. Identifiers: MedGen C3149841, MONDO:0008263, OMIM 173900.

Submissions (2):

Victorian Clinical Genetics Services, Murdoch Childrens Research Institute
Classification: Likely pathogenic for Polycystic kidney disease, adult type. Last evaluated: 2023-07-17. Review status: criteria provided, single submitter. Criteria: ACMG Guidelines, 2015. Collection method: clinical testing. Allele origin: germline. Inheritance: Autosomal dominant inheritance. Affected: yes.
Comment: Based on the classification scheme VCGS_Germline_v1.3.4, this variant is classified as Likely pathogenic. Following criteria are met: 0102 - Loss of function is a known mechanism of disease in this gene and is associated with polycystic kidney disease 1 (MIM#173900). (I) 0107 - This gene is associated with autosomal dominant disease. Polycystic kidney disease 1 (MIM#173900) is predominantly caused by monoallelic variants, with rare reports of biallelic variants causing disease (OMIM).(I) 0209 - Splice site variant proven to affect splicing of the transcript with uncertain effect on protein sequence. RT-PCR studies (Garvan Institute of Medical Research) have indicated this variant results in aberrant splicing. (SP) 0251 - This variant is heterozygous. (I) 0301 - Variant is absent from gnomAD (both v2 and v3). (SP) 0508 - In silico predictions for abnormal splicing are conflicting. (I) 0703 - Other splice variants comparable to the one identified in this case have moderate previous evidence for pathogenicity. The c.11017-25A>G variant has been previously reported as likely pathogenic (VCGS) and the c.11017-10C>A variant has been reported in multiple patients with ADPKD (PKD database, ClinVar, PMID: 17582161). (SP) 0807 - This variant has no previous evidence of pathogenicity. (I) 0905 - No published segregation evidence has been identified for this variant. (I) 1007 - No published functional evidence has been identified for this variant. (I) 1208 - Inheritance information for this variant is not currently available in this individual. (I) Legend: (SP) - Supporting pathogenic, (I) - Information, (SB) - Supporting benign

Molecular Genetics of Inherited Kidney Disorders Laboratory, Garvan Institute of Medical Research
Classification: Likely pathogenic for Autosomal dominant polycystic kidney disease. Last evaluated: 2022-11-20. Review status: criteria provided, single submitter. Criteria: ACMG Guidelines, 2015. Collection method: research. Allele origin: germline. Affected: yes.

Literature cited by the submitters: PubMed 17582161 (cited by Victorian Clinical Genetics Services, Murdoch Childrens Research Institute).

NM_001009944.3(PKD1):c.11017-25A>C

Genes: PKD1 (polycystin 1, transient receptor potential channel interacting; minus strand), PKD1-AS1 (PKD1 antisense RNA 1; plus strand). Cytogenetic location: 16p13.3.
Variant type: single nucleotide variant.
Coding change: c.11017-25A>C on transcript NM_001009944.3 (MANE Select); 25 bases into the intron before coding-DNA position 11017, A replaced by C.
Molecular consequence: intron variant.
Genome position (GRCh38, 1-based): chr16:2,093,118, T>G on the plus strand (A>C on the coding strand, the complement: PKD1 is on the minus strand). VCF-style: chr16-2093118-T-G. GRCh37 (hg19) VCF-style: chr16-2143119-T-G.
Other names: c.11014-25A>C (NM_000296.4).
Identifiers: ClinVar variation 1699193 (VCV001699193.29), dbSNP rs2151704874, ClinGen allele CA2573130392.